The following is an entry in ClinVar:

ClinVar aggregate classification (germline): Uncertain significance. Review status: criteria provided, multiple submitters, no conflicts (2 of 4 stars). 2 submissions from 2 submitters: Uncertain significance (2). Last evaluated 2025-08-29.

Conditions:
Primary ciliary dyskinesia. Also called: Ciliary dyskinesia. Identifiers: Orphanet 244, MedGen C0008780, MONDO:0016575, HP:0012265.

Allele frequency attached by ClinVar (database versions not stated): TOPMed 0.00001; gnomAD exomes 0.00002; gnomAD 0.00003.
gnomAD v4.1: 70 of 1,614,004 alleles (0.0043%); highest among the groups gnomAD compares: Non-Finnish European, 0.0055%; no homozygotes.

Submissions (2):

Ambry Genetics
Classification: Uncertain significance for Primary ciliary dyskinesia. Last evaluated: 2025-08-29. Review status: criteria provided, single submitter. Criteria: Ambry Variant Classification Scheme 2023. Collection method: clinical testing. Allele origin: germline.

Labcorp Genetics (formerly Invitae), Labcorp
Classification: Uncertain significance for Primary ciliary dyskinesia. Last evaluated: 2022-06-22. Review status: criteria provided, single submitter. Criteria: Invitae Variant Classification Sherloc (09022015). Collection method: clinical testing. Allele origin: germline.
Comment: In summary, the available evidence is currently insufficient to determine the role of this variant in disease. Therefore, it has been classified as a Variant of Uncertain Significance. Algorithms developed to predict the effect of missense changes on protein structure and function are either unavailable or do not agree on the potential impact of this missense change (SIFT: "Deleterious"; PolyPhen-2: "Possibly Damaging"; Align-GVGD: "Class C0"). ClinVar contains an entry for this variant (Variation ID: 1051077). This variant has not been reported in the literature in individuals affected with CCDC40-related conditions. This variant is present in population databases (rs553354727, gnomAD 0.02%). This sequence change replaces arginine, which is basic and polar, with cysteine, which is neutral and slightly polar, at codon 1006 of the CCDC40 protein (p.Arg1006Cys).

NM_017950.4(CCDC40):c.3016C>T (p.Arg1006Cys)

Gene: CCDC40 (coiled-coil domain 40 molecular ruler complex subunit; plus strand). Cytogenetic location: 17q25.3.
Variant type: single nucleotide variant.
Coding change: c.3016C>T on transcript NM_017950.4 (MANE Select); coding-DNA position 3016, C replaced by T.
Protein change: p.Arg1006Cys; replaces arginine 1006 with cysteine.
Molecular consequence: missense variant.
Genome position (GRCh38, 1-based): chr17:80,095,446, C>T. VCF-style: chr17-80095446-C-T. GRCh37 (hg19) VCF-style: chr17-78069245-C-T.
Other names: short protein forms R1006C.
Identifiers: ClinVar variation 1051077 (VCV001051077.10), dbSNP rs553354727, ClinGen allele CA294876807.